The following is an entry in ClinVar:

NM_178857.6(RP1L1):c.4831C>G (p.Arg1611Gly)

Gene: RP1L1 (RP1 like 1). Cytogenetic location: 8p23.1.
Variant type: single nucleotide variant.
Coding change: c.4831C>G on transcript NM_178857.6 (MANE Select); coding-DNA position 4831, C replaced by G.
Protein change: p.Arg1611Gly; replaces arginine 1611 with glycine.
Molecular consequence: missense variant.
Genome position (GRCh38, 1-based): chr8:10,609,267, G>C on the plus strand (C>G on the coding strand, the complement: RP1L1 is on the minus strand). VCF-style: chr8-10609267-G-C. GRCh37 (hg19) VCF-style: chr8-10466777-G-C.
Other names: short protein forms R1611G.
Identifiers: ClinVar variation 361264 (VCV000361264.34), dbSNP rs199604262, ClinGen allele CA4623872.
Genomic context (GRCh38, chr8:10,609,267, plus strand): 5'-AGGAGAGGGGCCCCAGGCCCAGGGTCCGCTCAGAGAAGGCCGAGAGGTTTCGCAGGCCCC[G>C]GAGACGGTGTCTGCGCTGCTGGGTCTGCAGGAGCAGCTCCCCGGTGAGGGCCTCCCTTGG-3'
Protein context (NP_849188.4, residues 1601-1621): LQTQQRRHRL[Arg1611Gly]GLRNLSAFSE

ClinVar aggregate classification (germline): Uncertain significance. Review status: criteria provided, multiple submitters, no conflicts (2 of 4 stars). 2 submissions from 2 submitters: Uncertain significance (2). Last evaluated 2022-12-01.

Conditions:
Occult macular dystrophy (OCMD). Also called: OMD; OCCULT MACULAR DYSTROPHY, SUSCEPTIBILITY TO. Identifiers: Orphanet 247834, MedGen C3150833, MONDO:0013316, OMIM 613587, HP:0030636.

gnomAD v4.1: 11 of 1,609,266 alleles (0.00068%); highest among the groups gnomAD compares: Middle Eastern, 0.12%; no homozygotes.

Submissions (2):

CeGaT Center for Human Genetics Tuebingen
Classification: Uncertain significance. Last evaluated: 2022-12-01. Review status: criteria provided, single submitter. Criteria: CeGaT Center For Human Genetics Tuebingen Variant Classification Criteria Version 2. Collection method: clinical testing. Allele origin: germline. Affected: yes. Observed: 1 variant allele.
Comment: RP1L1: PM2, BP4

Illumina Laboratory Services, Illumina
Classification: Uncertain significance for Occult macular dystrophy. Last evaluated: 2018-01-13. Review status: criteria provided, single submitter. Criteria: ICSL Variant Classification Criteria 13 December 2019. Collection method: clinical testing. Allele origin: germline.